The following is an entry in ClinVar:

NM_177438.3(DICER1):c.3670A>G (p.Ser1224Gly)

Gene: DICER1 (dicer 1, ribonuclease III; minus strand). Cytogenetic location: 14q32.13.
Variant type: single nucleotide variant.
Coding change: c.3670A>G on transcript NM_177438.3 (MANE Select); coding-DNA position 3670, A replaced by G.
Protein change: p.Ser1224Gly; replaces serine 1224 with glycine.
Molecular consequence: missense variant. On other transcripts: non-coding transcript variant (6).
Genome position (GRCh38, 1-based): chr14:95,103,726, T>C on the plus strand (A>G on the coding strand, the complement: DICER1 is on the minus strand). VCF-style: chr14-95103726-T-C. GRCh37 (hg19) VCF-style: chr14-95570063-T-C.
Other names: c.3670A>G, p.Ser1224Gly (NM_001195573.1, NM_001271282.3, NM_001291628.2 and 13 more transcripts); c.3388A>G, p.Ser1130Gly (NM_001395686.1); c.3265A>G, p.Ser1089Gly (NM_001395687.1, NM_001395688.1, NM_001395689.1 and 2 more transcripts); c.3103A>G, p.Ser1035Gly (NM_001395691.1); c.1987A>G, p.Ser663Gly (NM_001395697.1); short protein forms S1035G, S1089G, S1130G, S1224G, S663G.
Identifiers: ClinVar variation 3229387 (VCV003229387.1), dbSNP rs1891123604, ClinGen allele CA390874433.

ClinVar aggregate classification (germline): Uncertain significance (1 of 4 stars; one submission).

Conditions:
Hereditary cancer-predisposing syndrome. Also called: Neoplastic Syndromes, Hereditary; Tumor predisposition; Hereditary neoplastic syndrome; Hereditary Cancer Syndrome. Identifiers: Orphanet 140162, MedGen C0027672, MeSH D009386, MONDO:0015356.

Submission:

Ambry Genetics
Classification: Uncertain significance for Hereditary cancer-predisposing syndrome. Last evaluated: 2023-10-09. Review status: criteria provided, single submitter. Criteria: Ambry Variant Classification Scheme 2023. Collection method: clinical testing. Allele origin: germline.
Comment: The p.S1224G variant (also known as c.3670A>G), located in coding exon 20 of the DICER1 gene, results from an A to G substitution at nucleotide position 3670. The serine at codon 1224 is replaced by glycine, an amino acid with similar properties. This amino acid position is conserved. In addition, this alteration is predicted to be tolerated by in silico analysis. Since supporting evidence is limited at this time, the clinical significance of this alteration remains unclear.